The following is an entry in ClinVar:

NM_000038.6(APC):c.7390T>A (p.Ser2464Thr)

Gene: APC (APC regulator of Wnt signaling pathway; plus strand). Cytogenetic location: 5q22.2.
Variant type: single nucleotide variant.
Coding change: c.7390T>A on transcript NM_000038.6 (MANE Select); coding-DNA position 7390, T replaced by A.
Protein change: p.Ser2464Thr; replaces serine 2464 with threonine.
Molecular consequence: missense variant.
Genome position (GRCh38, 1-based): chr5:112,842,984, T>A. VCF-style: chr5-112842984-T-A. GRCh37 (hg19) VCF-style: chr5-112178681-T-A.
Other names: c.7267T>A, p.Ser2423Thr (NM_001354900.2); c.7213T>A, p.Ser2405Thr (NM_001354901.2, NM_001407453.1); c.7012T>A, p.Ser2338Thr (NM_001354904.2); c.6910T>A, p.Ser2304Thr (NM_001354905.2); c.7117T>A, p.Ser2373Thr (NM_001354902.2); c.7087T>A, p.Ser2363Thr (NM_001354903.2, NM_001407458.1, NM_001407459.1 and 1 more transcripts); c.7390T>A, p.Ser2464Thr (NM_001127510.3, NM_001354895.2, NM_001407450.1); c.7336T>A, p.Ser2446Thr (NM_001127511.3); and 11 more; short protein forms S2304T, S2381T, S2454T, S2457T, S2474T, S2080T, S2363T, S2423T.
Identifiers: ClinVar variation 1758666 (VCV001758666.3), dbSNP rs2149985921, ClinGen allele CA16037427.

ClinVar aggregate classification (germline): Uncertain significance (1 of 4 stars; one submission).

Conditions:
Hereditary cancer-predisposing syndrome. Also called: Neoplastic Syndromes, Hereditary; Tumor predisposition; Hereditary Cancer Syndrome; Hereditary neoplastic syndrome. Identifiers: Orphanet 140162, MedGen C0027672, MeSH D009386, MONDO:0015356.

Submission:

Ambry Genetics
Classification: Uncertain significance for Hereditary cancer-predisposing syndrome. Last evaluated: 2024-12-02. Review status: criteria provided, single submitter. Criteria: Ambry Variant Classification Scheme 2023. Collection method: clinical testing. Allele origin: germline.
Comment: The p.S2464T variant (also known as c.7390T>A), located in coding exon 15 of the APC gene, results from a T to A substitution at nucleotide position 7390. The serine at codon 2464 is replaced by threonine, an amino acid with similar properties. This amino acid position is conserved. Missense alterations in APC are not a common cause of disease (Spier I et al. Genet Med. 2024 Feb;26(2):100992). In addition, in silico predictors for this gene do not accurately predict pathogenicity. Since supporting evidence is limited at this time, the clinical significance of this alteration remains unclear.